The following is an entry in ClinVar:

NM_000169.3(GLA):c.723dup (p.Ile242fs)

Genes: GLA (galactosidase alpha; minus strand), RPL36A-HNRNPH2 (RPL36A-HNRNPH2 readthrough; plus strand). Cytogenetic location: Xq22.1.
Variant type: Duplication.
Coding change: c.723dup on transcript NM_000169.3 (MANE Select); coding-DNA position 723, one base duplicated (T; older notation c.723dupT).
Protein change: p.Ile242fs; shifts the reading frame from isoleucine 242.
Molecular consequence: frameshift variant. On other transcripts: non-coding transcript variant (3), intron variant (2).
Genome position (GRCh38, 1-based): chrX:101,398,863, A duplicated on the plus strand (T on the coding strand, the reverse complement: GLA is on the minus strand). VCF-style (leftmost placement, unchanged base first): chrX-101398862-T-TA. GRCh37 (hg19) VCF-style: chrX-100653850-T-TA.
Other names: c.846dup, p.Ile283fs (NM_001406747.1); c.723dup, p.Ile242fs (NM_001406748.1); c.300+3406dup (NM_001199973.2); c.177+7041dup (NM_001199974.2); short protein forms I242fs, I283fs.
Identifiers: ClinVar variation 222373 (VCV000222373.3), dbSNP rs869312391, ClinGen allele CA352476.
Genomic context (GRCh38, chrX:101,398,862, plus strand): 5'-AACCCCCTGGTCCAGCAACATCAACAATTCTCTCCTGGTTAAAAGATGTCCAGTCCAAGA[T>TA]ACTCTTTATACTTTTCCAGGAATCATCAATGTCAGCAAAATTTCGCCAGTGATTGCAGTA-3'

ClinVar aggregate classification (germline): Pathogenic. Review status: criteria provided, multiple submitters, no conflicts (2 of 4 stars). 2 submissions from 2 submitters: Pathogenic (2). Last evaluated 2026-09-08.

Conditions:
Fabry disease. Also called: GLA DEFICIENCY; HEREDITARY DYSTOPIC LIPIDOSIS; Fabry's disease; Angiokeratoma corporis diffusum; Ceramide trihexosidosis; ALPHA-GALACTOSIDASE A DEFICIENCY. Identifiers: Orphanet 324, MedGen C0002986, MONDO:0010526, OMIM 301500, HP:0001071. Disease mechanism: loss of function, Fabry disease is due to inactivating mutations in the X-linked GLA gene resulting in deficiency of the enzyme Alpha Galactosidase-A..

Submissions (2):

Genomenon, Inc
Classification: Pathogenic for Fabry disease. Last evaluated: 2026-09-08. Review status: criteria provided, single submitter. Criteria: Genomenon Sequence Variant Interpretation Standards - Updated. Collection method: curation. Allele origin: germline. Affected: yes.
Comment: GLA p.Ile242TyrfsTer8 (c.723dup) is a frameshift variant that is predicted to introduce a premature termination codon and result in a truncated or absent protein product. This variant has been observed in at least one proband with clinical features consistent with Fabry disease (PMID:32843101;36140787;30385651;39980015;31587315). The variant was found to segregate with disease in at least one affected family (PMID:32843101;36140787). Functional or patient cell studies have been reported (PMID:34768768). It is absent or not present at a significant frequency in gnomAD. In conclusion, we classify GLA p.Ile242TyrfsTer8 (c.723dup) as a pathogenic variant.

Women's Health and Genetics/Laboratory Corporation of America, LabCorp
Classification: Pathogenic for Fabry disease. Last evaluated: 2019-01-29. Review status: criteria provided, single submitter. Criteria: LabCorp Variant Classification Summary - May 2015. Collection method: clinical testing. Allele origin: germline.
Comment: Variant summary: GLA c.723dupT (p.Ile242TyrfsX8) results in a premature termination codon, predicted to cause a truncation of the encoded protein or absence of the protein due to nonsense mediated decay, which are commonly known mechanisms for disease. Truncations downstream of this position have been classified as pathogenic by our laboratory (eg. c.735G>A (p.Trp245X), c.748C>T (p.Gln250X), and c.830G>A (p.Trp277X)). The variant was absent in 87762 control chromosomes (ExAC). c.723dupT has been reported in the literature in individuals affected with Fabry Disease (Burlina_2008, Kitani_2019, Lenders_2018, Sakurab_2018). These data indicate that the variant is likely to be associated with disease. At least one publication reports experimental evidence evaluating an impact on protein function. The most pronounced variant effect results in <10% of normal activity (Lenders_2018). These data indicate that the variant is likely to be associated with disease. No clinical diagnostic laboratories have submitted clinical-significance assessments for this variant to ClinVar after 2014. Based on the evidence outlined above, the variant was classified as pathogenic.

Literature cited by the submitters: PubMed 32843101 (cited by Genomenon, Inc); PubMed 36140787 (cited by Genomenon, Inc); PubMed 30385651 (cited by Genomenon, Inc and Women's Health and Genetics/Laboratory Corporation of America, LabCorp); PubMed 39980015 (cited by Genomenon, Inc); PubMed 31587315 (cited by Genomenon, Inc); PubMed 34768768 (cited by Genomenon, Inc); PubMed 18297328 (cited by Women's Health and Genetics/Laboratory Corporation of America, LabCorp); PubMed 30568064 (cited by Women's Health and Genetics/Laboratory Corporation of America, LabCorp).